The following is an entry in ClinVar:

NM_001034116.2(EIF2B4):c.700C>G (p.Gln234Glu)

Gene: EIF2B4 (eukaryotic translation initiation factor 2B subunit delta; minus strand). Cytogenetic location: 2p23.3.
Variant type: single nucleotide variant.
Coding change: c.700C>G on transcript NM_001034116.2 (MANE Select); coding-DNA position 700, C replaced by G.
Protein change: p.Gln234Glu; replaces glutamine 234 with glutamic acid.
Molecular consequence: missense variant.
Genome position (GRCh38, 1-based): chr2:27,368,030, G>C on the plus strand (C>G on the coding strand, the complement: EIF2B4 is on the minus strand). VCF-style: chr2-27368030-G-C. GRCh37 (hg19) VCF-style: chr2-27590897-G-C.
Other names: c.763C>G, p.Gln255Glu (NM_001318965.2); c.655C>G, p.Gln219Glu (NM_001318966.2); c.607C>G, p.Gln203Glu (NM_001318967.2); c.115C>G, p.Gln39Glu (NM_001318968.2); c.82C>G, p.Gln28Glu (NM_001318969.2); c.697C>G, p.Gln233Glu (NM_015636.4); c.760C>G, p.Gln254Glu (NM_172195.4); short protein forms Q219E, Q254E, Q203E, Q233E, Q234E, Q28E, Q39E, Q255E.
Identifiers: ClinVar variation 2149051 (VCV002149051.1), dbSNP rs755047066, ClinGen allele CA1576817.

ClinVar aggregate classification (germline): Uncertain significance (1 of 4 stars; one submission).

Allele frequency attached by ClinVar (database versions not stated): gnomAD exomes below 0.00001; gnomAD 0.00001; TOPMed 0.00002; ExAC 0.00003.

Submission:

Labcorp Genetics (formerly Invitae), Labcorp
Classification: Uncertain significance. Last evaluated: 2022-06-26. Review status: criteria provided, single submitter. Criteria: Invitae Variant Classification Sherloc (09022015). Collection method: clinical testing. Allele origin: germline.
Comment: This sequence change replaces glutamine, which is neutral and polar, with glutamic acid, which is acidic and polar, at codon 233 of the EIF2B4 protein (p.Gln233Glu). This variant is present in population databases (rs755047066, gnomAD 0.002%). This variant has not been reported in the literature in individuals affected with EIF2B4-related conditions. Algorithms developed to predict the effect of missense changes on protein structure and function (SIFT, PolyPhen-2, Align-GVGD) all suggest that this variant is likely to be tolerated. In summary, the available evidence is currently insufficient to determine the role of this variant in disease. Therefore, it has been classified as a Variant of Uncertain Significance.